The following is an entry in ClinVar:

NM_022051.3(EGLN1):c.599C>G (p.Pro200Arg)

Gene: EGLN1 (egl-9 family hypoxia inducible factor 1; minus strand). Cytogenetic location: 1q42.2.
Variant type: single nucleotide variant.
Coding change: c.599C>G on transcript NM_022051.3 (MANE Select); coding-DNA position 599, C replaced by G.
Protein change: p.Pro200Arg; replaces proline 200 with arginine.
Molecular consequence: missense variant.
Genome position (GRCh38, 1-based): chr1:231,421,290, G>C on the plus strand (C>G on the coding strand, the complement: EGLN1 is on the minus strand). VCF-style: chr1-231421290-G-C. GRCh37 (hg19) VCF-style: chr1-231557036-G-C.
Other names: c.599C>G, p.Pro200Arg (NM_001377260.1, NM_001377261.1); c.599C>G (NM_022051.2); short protein forms P200R.
Identifiers: ClinVar variation 2878661 (VCV002878661.4), dbSNP rs1259087764, ClinGen allele CA345236382.

ClinVar aggregate classification (germline): Uncertain significance. Review status: criteria provided, multiple submitters, no conflicts (2 of 4 stars). 2 submissions from 2 submitters: Uncertain significance (2). Last evaluated 2026-03-23.

Conditions:
Erythrocytosis, familial, 3 (ECYT3). Identifiers: Orphanet 247511, MedGen C1853286, MONDO:0012353, OMIM 609820.

Submissions (2):

Ambry Genetics
Classification: Uncertain significance. Last evaluated: 2026-03-23. Review status: criteria provided, single submitter. Criteria: Ambry Variant Classification Scheme 2023. Collection method: clinical testing. Allele origin: germline.
Comment: The p.P200R variant (also known as c.599C>G), located in coding exon 1 of the EGLN1 gene, results from a C to G substitution at nucleotide position 599. The proline at codon 200 is replaced by arginine, an amino acid with dissimilar properties. This amino acid position is conserved. In addition, this alteration is predicted to be tolerated by in silico analysis. Based on the available evidence, the clinical significance of this variant remains unclear.

Labcorp Genetics (formerly Invitae), Labcorp
Classification: Uncertain significance for Erythrocytosis, familial, 3. Last evaluated: 2024-05-15. Review status: criteria provided, single submitter. Criteria: Invitae Variant Classification Sherloc (09022015). Collection method: clinical testing. Allele origin: germline.
Comment: This sequence change replaces proline, which is neutral and non-polar, with arginine, which is basic and polar, at codon 200 of the EGLN1 protein (p.Pro200Arg). This variant is not present in population databases (gnomAD no frequency). This variant has not been reported in the literature in individuals affected with EGLN1-related conditions. An algorithm developed to predict the effect of missense changes on protein structure and function (PolyPhen-2) suggests that this variant is likely to be disruptive. In summary, the available evidence is currently insufficient to determine the role of this variant in disease. Therefore, it has been classified as a Variant of Uncertain Significance.